The following is an entry in ClinVar:

ClinVar aggregate classification (germline): Pathogenic (1 of 4 stars; one submission).

Conditions:
Neurofibromatosis, type 1 (NF1). Also called: Neurofibromatosis, type I; NEUROFIBROMATOSIS, TYPE I, SOMATIC; Peripheral type neurofibromatosis; VON RECKLINGHAUSEN DISEASE. Identifiers: Orphanet 636, MedGen C0027831, MONDO:0018975, OMIM 162200. Disease mechanism: loss of function.

Submission:

Labcorp Genetics (formerly Invitae), Labcorp
Classification: Pathogenic for Neurofibromatosis, type 1. Last evaluated: 2021-12-11. Review status: criteria provided, single submitter. Criteria: Invitae Variant Classification Sherloc (09022015). Collection method: clinical testing. Allele origin: germline.
Comment: This variant has not been reported in the literature in individuals affected with NF1-related conditions. This variant is not present in population databases (gnomAD no frequency). This sequence change creates a premature translational stop signal (p.Glu1415Leufs*7) in the NF1 gene. It is expected to result in an absent or disrupted protein product. Loss-of-function variants in NF1 are known to be pathogenic (PMID: 10712197, 23913538). For these reasons, this variant has been classified as Pathogenic.

Literature cited by the submitters: PubMed 10712197; PubMed 23913538.

NM_001042492.3(NF1):c.4298_4305dup (p.Glu1436fs)

Gene: NF1 (neurofibromin 1; plus strand). Cytogenetic location: 17q11.2.
Variant type: Duplication.
Coding change: c.4298_4305dup on transcript NM_001042492.3 (MANE Select); coding-DNA positions 4298 to 4305, 8 bases duplicated (CTAGAATC; older notation c.4298_4305dupCTAGAATC).
Protein change: p.Glu1436fs; shifts the reading frame from glutamic acid 1436.
Molecular consequence: frameshift variant.
Genome position (GRCh38, 1-based): chr17:31,258,468-31,258,475, CTAGAATC duplicated; duplicating any 8 consecutive bases within chr17:31,258,467-31,258,475 gives the same sequence; the c. name uses the placement nearest the transcript's 3' end. VCF-style (leftmost placement, unchanged base first): chr17-31258466-A-ACCTAGAAT. GRCh37 (hg19) VCF-style: chr17-29585484-A-ACCTAGAAT.
Other names: c.4235_4242dup, p.Glu1415Leufs (NM_000267.4); short protein forms E1436fs, E1415fs.
Identifiers: ClinVar variation 2039765 (VCV002039765.4), dbSNP rs2508409389, ClinGen allele CA2580092932.